The following is an entry in ClinVar:

NM_001369.3(DNAH5):c.13412G>A (p.Trp4471Ter)

Gene: DNAH5 (dynein axonemal heavy chain 5; minus strand). Cytogenetic location: 5p15.2.
Variant type: single nucleotide variant.
Coding change: c.13412G>A on transcript NM_001369.3 (MANE Select); coding-DNA position 13412, G replaced by A.
Protein change: p.Trp4471Ter; replaces tryptophan 4471 with a stop codon.
Molecular consequence: nonsense.
Genome position (GRCh38, 1-based): chr5:13,701,363, C>T on the plus strand (G>A on the coding strand, the complement: DNAH5 is on the minus strand). VCF-style: chr5-13701363-C-T. GRCh37 (hg19) VCF-style: chr5-13701472-C-T.
Other names: short protein forms W4471*.
Identifiers: ClinVar variation 2736495 (VCV002736495.3), dbSNP rs761077963, ClinGen allele CA359192908.

ClinVar aggregate classification (germline): Pathogenic (1 of 4 stars; one submission).

Conditions:
Primary ciliary dyskinesia. Also called: Ciliary dyskinesia. Identifiers: Orphanet 244, MedGen C0008780, MONDO:0016575, HP:0012265.

gnomAD v4.1: 1 of 1,613,986 alleles (0.000062%); no homozygotes.

Submission:

Labcorp Genetics (formerly Invitae), Labcorp
Classification: Pathogenic for Primary ciliary dyskinesia. Last evaluated: 2025-04-07. Review status: criteria provided, single submitter. Criteria: Invitae Variant Classification Sherloc (09022015). Collection method: clinical testing. Allele origin: germline.
Comment: This sequence change creates a premature translational stop signal (p.Trp4471*) in the DNAH5 gene. It is expected to result in an absent or disrupted protein product. Loss-of-function variants in DNAH5 are known to be pathogenic (PMID: 11788826, 16627867). This variant is not present in population databases (gnomAD no frequency). This variant has not been reported in the literature in individuals affected with DNAH5-related conditions. ClinVar contains an entry for this variant (Variation ID: 2736495). For these reasons, this variant has been classified as Pathogenic.

Literature cited by the submitters: PubMed 11788826; PubMed 16627867.